The following is an entry in ClinVar:

ClinVar aggregate classification (germline): Benign (1 of 4 stars; one submission).

Allele frequency attached by ClinVar (database versions not stated): 1000 Genomes Project 0.55631; TOPMed 0.52192; gnomAD 0.54488; 1000 Genomes Project 30x 0.54997.

Submission:

GeneDx
Classification: Benign. Last evaluated: 2018-06-18. Review status: criteria provided, single submitter. Criteria: GeneDx Variant Classification (06012015). Collection method: clinical testing. Allele origin: germline. Affected: yes.
Comment: This variant is considered likely benign or benign based on one or more of the following criteria: it is a conservative change, it occurs at a poorly conserved position in the protein, it is predicted to be benign by multiple in silico algorithms, and/or has population frequency not consistent with disease.

NM_021914.7(CFL2):c.-1441A>G

Gene: CFL2 (cofilin 2; minus strand). Cytogenetic location: 14q13.1.
Variant type: single nucleotide variant.
Coding change: c.-1441A>G on transcript NM_021914.7; 1441 bases upstream of the start codon, A replaced by G.
Genome position (GRCh38, 1-based): chr14:34,715,117, T>C on the plus strand (A>G on the coding strand, the complement: CFL2 is on the minus strand). VCF-style: chr14-34715117-T-C. GRCh37 (hg19) VCF-style: chr14-35184323-T-C.
Identifiers: ClinVar variation 668070 (VCV000668070.3), dbSNP rs10141892, ClinGen allele CA14067223.